The following is an entry in ClinVar:

ClinVar aggregate classification (germline): Likely pathogenic. Review status: criteria provided, multiple submitters, no conflicts (2 of 4 stars). 2 submissions from 2 submitters: Likely pathogenic (2). Last evaluated 2026-04-14.

Conditions:
Familial intrahepatic cholestasis. Identifiers: Orphanet 284385, MedGen CN296401, MONDO:0017290.
Progressive familial intrahepatic cholestasis type 2. Identifiers: Orphanet 79304, MedGen C3489789, MONDO:0011156, OMIM 601847.

gnomAD v4.1: 1 of 1,613,112 alleles (0.000062%); highest among the groups gnomAD compares: Non-Finnish European, 0.000085%; no homozygotes.

Submissions (2):

Genomenon, Inc
Classification: Likely pathogenic for Familial intrahepatic cholestasis. Last evaluated: 2026-04-14. Review status: criteria provided, single submitter. Criteria: Genomenon Sequence Variant Interpretation Standards - Updated. Collection method: curation. Allele origin: germline. Affected: yes.
Comment: ABCB11 p.Asn515Thr (c.1544A>C) is a missense variant that changes the amino acid at residue 515 from Asparagine to Threonine. This variant has been observed in at least one proband with an ABCB11-related disorder (PMID:32793533;16641580). The variant was found to segregate with disease in at least one affected family (PMID:16641580). The presence of pathogenic or likely pathogenic missense variant(s) at the same amino acid position indicates that this residue is likely important for protein function. It is absent or not present at a significant frequency in gnomAD. In silico models predict that this variant is possibly or probably damaging. In conclusion, we classify ABCB11 p.Asn515Thr (c.1544A>C) as a likely pathogenic variant.

Broad Center for Mendelian Genomics, Broad Institute of MIT and Harvard
Classification: Likely pathogenic for Progressive familial intrahepatic cholestasis type 2. Last evaluated: 2025-01-27. Review status: criteria provided, single submitter. Criteria: ACMG Guidelines, 2015. Collection method: curation. Allele origin: germline. Inheritance: Autosomal recessive inheritance.
Comment: The p.Asn515Thr variant in ABCB11 has been reported in five individuals with BSEP deficiency (PMID: 16641580, 18395098, 32793533), segregated with disease in 4 affected relatives from 1 family (PMID: 16641580, 18395098), and has been identified in 0.00008% (1/1179408) of European (non-Finnish) chromosomes by the Genome Aggregation Database (gnomAD; dbSNP rs1384260935). Although this variant has been seen in the general population in a heterozygous state, its frequency is low enough to be consistent with a recessive carrier frequency. Of the 5 affected individuals, one was a compound heterozygote that carried reported pathogenic variant with unknown phase, which increases the likelihood that the p.Asn515Thr variant is pathogenic (Variation ID: 288555; PMID: 6641580, 18395098). Computational prediction tools and conservation analyses suggest that this variant may impact the protein, though this information is not predictive enough to determine pathogenicity. In summary, although additional studies are required to fully establish its clinical significance, this variant is likely pathogenic for autosomal recessive BSEP deficiency. ACMG/AMP Criteria applied: PP1_moderate, PP3_moderate, PM3_supporting, PM2_supporting (Richards 2015).

Literature cited by the submitters: PubMed 32793533 (cited by Genomenon, Inc); PubMed 16641580 (cited by Genomenon, Inc).

NM_003742.4(ABCB11):c.1544A>C (p.Asn515Thr)

Gene: ABCB11 (ATP binding cassette subfamily B member 11; minus strand). Cytogenetic location: 2q31.1.
Variant type: single nucleotide variant.
Coding change: c.1544A>C on transcript NM_003742.4 (MANE Select); coding-DNA position 1544, A replaced by C.
Protein change: p.Asn515Thr; replaces asparagine 515 with threonine.
Molecular consequence: missense variant.
Genome position (GRCh38, 1-based): chr2:168,971,941, T>G on the plus strand (A>C on the coding strand, the complement: ABCB11 is on the minus strand). VCF-style: chr2-168971941-T-G. GRCh37 (hg19) VCF-style: chr2-169828451-T-G.
Other names: NM_003742.4:c.1544A>C; short protein forms N515T.
Identifiers: ClinVar variation 3776865 (VCV003776865.2).